The following is an entry in ClinVar:

ClinVar aggregate classification (germline): Uncertain significance. Review status: criteria provided, multiple submitters, no conflicts (2 of 4 stars). 2 submissions from 2 submitters: Uncertain significance (2). Last evaluated 2025-01-24.

Conditions:
NLRP12-related disorder. Also called: NLRP12-related conditions; NLRP12-related condition.
Familial cold autoinflammatory syndrome 2 (FCAS2). Identifiers: Orphanet 247868, MedGen C2673198, MONDO:0012724, OMIM 611762.

Allele frequency attached by ClinVar (database versions not stated): TOPMed below 0.00001.

Submissions (2):

PreventionGenetics, part of Exact Sciences
Classification: Uncertain significance for NLRP12-related condition. Last evaluated: 2025-01-24. Review status: criteria provided, single submitter. Criteria: ACMG Guidelines, 2015. Collection method: clinical testing. Allele origin: germline.
Comment: The NLRP12 c.1944G>C variant is predicted to result in the amino acid substitution p.Met648Ile. To our knowledge, this variant has not been reported in the literature or in a large population database (gnomAD), indicating this variant is rare. At this time, the clinical significance of this variant is uncertain due to the absence of conclusive functional and genetic evidence.

Labcorp Genetics (formerly Invitae), Labcorp
Classification: Uncertain significance for Familial cold autoinflammatory syndrome 2. Last evaluated: 2024-03-28. Review status: criteria provided, single submitter. Criteria: Invitae Variant Classification Sherloc (09022015). Collection method: clinical testing. Allele origin: germline.
Comment: This sequence change replaces methionine, which is neutral and non-polar, with isoleucine, which is neutral and non-polar, at codon 648 of the NLRP12 protein (p.Met648Ile). This variant is not present in population databases (gnomAD no frequency). This variant has not been reported in the literature in individuals affected with NLRP12-related conditions. ClinVar contains an entry for this variant (Variation ID: 1423941). Advanced modeling of protein sequence and biophysical properties (such as structural, functional, and spatial information, amino acid conservation, physicochemical variation, residue mobility, and thermodynamic stability) performed at Invitae indicates that this missense variant is not expected to disrupt NLRP12 protein function with a negative predictive value of 80%. In summary, the available evidence is currently insufficient to determine the role of this variant in disease. Therefore, it has been classified as a Variant of Uncertain Significance.

NM_144687.4(NLRP12):c.1944G>C (p.Met648Ile)

Gene: NLRP12 (NLR family pyrin domain containing 12; minus strand). Cytogenetic location: 19q13.42.
Variant type: single nucleotide variant.
Coding change: c.1944G>C on transcript NM_144687.4 (MANE Select); coding-DNA position 1944, G replaced by C.
Protein change: p.Met648Ile; replaces methionine 648 with isoleucine.
Molecular consequence: missense variant.
Genome position (GRCh38, 1-based): chr19:53,809,715, C>G on the plus strand (G>C on the coding strand, the complement: NLRP12 is on the minus strand). VCF-style: chr19-53809715-C-G. GRCh37 (hg19) VCF-style: chr19-54312969-C-G.
Other names: c.1944G>C, p.Met648Ile (NM_001277126.2, NM_001277129.1); c.1944G>C (NM_144687.3); short protein forms M648I.
Identifiers: ClinVar variation 1423941 (VCV001423941.9), dbSNP rs2092028098, ClinGen allele CA407411895.